The following is an entry in ClinVar:

ClinVar aggregate classification (germline): Uncertain significance (1 of 4 stars; one submission).

Conditions:
Cardiovascular phenotype. Identifiers: MedGen CN230736.

Submission:

Ambry Genetics
Classification: Uncertain significance for Cardiovascular phenotype. Last evaluated: 2023-12-29. Review status: criteria provided, single submitter. Criteria: Ambry Variant Classification Scheme 2023. Collection method: clinical testing. Allele origin: germline.
Comment: The p.C373R variant (also known as c.1117T>C), located in coding exon 4 of the BAG3 gene, results from a T to C substitution at nucleotide position 1117. The cysteine at codon 373 is replaced by arginine, an amino acid with highly dissimilar properties. This amino acid position is conserved. In addition, this alteration is predicted to be tolerated by in silico analysis. Since supporting evidence is limited at this time, the clinical significance of this alteration remains unclear.

NM_004281.4(BAG3):c.1117T>C (p.Cys373Arg)

Gene: BAG3 (BAG cochaperone 3; plus strand). Cytogenetic location: 10q26.11.
Variant type: single nucleotide variant.
Coding change: c.1117T>C on transcript NM_004281.4 (MANE Select); coding-DNA position 1117, T replaced by C.
Protein change: p.Cys373Arg; replaces cysteine 373 with arginine.
Molecular consequence: missense variant.
Genome position (GRCh38, 1-based): chr10:119,676,671, T>C. VCF-style: chr10-119676671-T-C. GRCh37 (hg19) VCF-style: chr10-121436183-T-C.
Other names: short protein forms C373R.
Identifiers: ClinVar variation 3223765 (VCV003223765.1), dbSNP rs2494022937, ClinGen allele CA378296665.
Genomic context (GRCh38, chr10:119,676,671, plus strand): 5'-CAGAAGCCCCCACCTCCCTCTGAGAAGGTAGAGGTGAAAGTTCCCCCTGCTCCAGTTCCT[T>C]GTCCTCCTCCCAGCCCTGGCCCTTCTGCTGTCCCCTCTTCCCCCAAGAGTGTGGCTACAG-3'
Protein context (NP_004272.2, residues 363-383): EVKVPPAPVP[Cys373Arg]PPPSPGPSAV